The following is an entry in ClinVar:

ClinVar aggregate classification (germline): Benign. Review status: criteria provided, multiple submitters, no conflicts (2 of 4 stars). 13 submissions from 13 submitters: Benign (10). 3 of the submissions do not count toward it. Last evaluated 2026-02-04.

Conditions:
Inborn genetic diseases. Identifiers: MedGen C0950123, MeSH D030342.
Smith-Magenis syndrome (SMS). Also called: CHROMOSOME 17p11.2 DELETION SYNDROME. Identifiers: Orphanet 819, MedGen C0795864, MONDO:0008434, OMIM 182290.

Allele frequency attached by ClinVar (database versions not stated): gnomAD 0.37583 and 0.35747; ExAC 0.44167; TOPMed 0.38311; gnomAD exomes 0.44272 and 0.34891; ESP Exome Variant Server 0.33715; 1000 Genomes Project 30x 0.55122; 1000 Genomes Project 0.56370.
gnomAD v4.1: 568,592 of 1,613,504 alleles (35%); highest among the groups gnomAD compares: East Asian, 83%; 115,868 homozygotes.

Submissions (14):

Labcorp Genetics (formerly Invitae), Labcorp
Classification: Benign. Last evaluated: 2026-02-04. Review status: criteria provided, single submitter. Criteria: Invitae Variant Classification Sherloc (09022015). Collection method: clinical testing. Allele origin: germline.

Blueprint Genetics
Classification: Benign. Last evaluated: 2024-11-28. Review status: criteria provided, single submitter. Criteria: ACMG Guidelines, 2015. Collection method: clinical testing. Allele origin: germline.

Mayo Clinic Laboratories, Mayo Clinic
Classification: Benign. Last evaluated: 2023-03-23. Review status: criteria provided, single submitter. Criteria: ACMG Guidelines, 2015. Collection method: clinical testing. Allele origin: germline. Observed: 36 variant alleles.
Comment: BA1, BS2

Genome-Nilou Lab
Classification: Benign for Smith-Magenis syndrome. Last evaluated: 2021-11-07. Review status: criteria provided, single submitter. Criteria: ACMG Guidelines, 2015. Collection method: clinical testing. Allele origin: germline. Affected: no.

Athena Diagnostics
Classification: Benign for Smith-Magenis syndrome. Last evaluated: 2017-05-03. Review status: criteria provided, single submitter. Criteria: Athena Diagnostics Criteria. Collection method: clinical testing. Allele origin: germline.

Ambry Genetics
Classification: Benign for Inborn genetic diseases. Last evaluated: 2016-03-11. Review status: criteria provided, single submitter. Criteria: Ambry Variant Classification Scheme 2023. Collection method: clinical testing. Allele origin: germline.

GeneDx
Classification: Benign. Last evaluated: 2015-03-03. Review status: criteria provided, single submitter. Criteria: GeneDx Variant Classification Process June 2021. Collection method: clinical testing. Allele origin: germline. Affected: yes.

Eurofins Ntd Llc (ga)
Classification: Benign. Last evaluated: 2013-08-15. Review status: criteria provided, single submitter. Criteria: EGL Classification Definitions 2015. Collection method: clinical testing. Allele origin: germline. Observed: 26 variant alleles, 22 heterozygotes, 4 homozygotes.

Breakthrough Genomics
Classification: Benign. Review status: criteria provided, single submitter. Criteria: ACMG Guidelines, 2015. Collection method: not provided. Allele origin: germline. Inheritance: Autosomal dominant inheritance. Affected: yes.

PreventionGenetics, part of Exact Sciences
Classification: Benign. Review status: criteria provided, single submitter. Criteria: ACMG Guidelines, 2015. Collection method: clinical testing. Allele origin: germline.

Diagnostic Laboratory, Department of Genetics, University Medical Center Groningen
Classification: Benign. Review status: no assertion criteria provided. Collection method: clinical testing. Allele origin: germline. Affected: yes. Study: VKGL Data-share Consensus. Not counted in ClinVar's aggregate classification.

Dr. Peter K. Rogan Lab, Western University
No classification provided (evidence only). Condition: Familial cancer of breast. Review status: no classification provided. Collection method: in vitro. Allele origin: not applicable. Functional consequence: skipped exon, retained intron. Not counted in ClinVar's aggregate classification.

Genetic Services Laboratory, University of Chicago
Classification: Likely benign for AllHighlyPenetrant. Review status: no assertion criteria provided. Collection method: clinical testing. Allele origin: germline. Inheritance: Autosomal dominant inheritance. Not counted in ClinVar's aggregate classification.
Comment: Likely benign based on allele frequency in 1000 Genomes Project or ESP global frequency and its presence in a patient with a rare or unrelated disease phenotype. NOT Sanger confirmed.

Joint Genome Diagnostic Labs from Nijmegen and Maastricht, Radboudumc and MUMC+
Classification: Benign. Review status: no assertion criteria provided. Collection method: clinical testing. Allele origin: germline. Affected: yes. Study: VKGL Data-share Consensus. Not counted in ClinVar's aggregate classification.

NM_030665.4(RAI1):c.493C>A (p.Pro165Thr)

Gene: RAI1 (retinoic acid induced 1; plus strand). Cytogenetic location: 17p11.2.
Variant type: single nucleotide variant.
Coding change: c.493C>A on transcript NM_030665.4 (MANE Select); coding-DNA position 493, C replaced by A.
Protein change: p.Pro165Thr; replaces proline 165 with threonine.
Molecular consequence: missense variant.
Genome position (GRCh38, 1-based): chr17:17,793,441, C>A. VCF-style: chr17-17793441-C-A. GRCh37 (hg19) VCF-style: chr17-17696755-C-A.
Other names: short protein forms P165T.
Identifiers: ClinVar variation 96194 (VCV000096194.32), dbSNP rs11649804, ClinGen allele CA149343.
Genomic context (GRCh38, chr17:17,793,441, plus strand): 5'-TTGATGAAAAAGACAGCAGTGCCCCCCAGCAGGCAGTATGCAGAGCAGGGCGCCCAGGTG[C>A]CCTTTCGGACTCACTCCCTGCACGTCCAGCAGCCACCGCCGCCCCAGCAGCCCCTGGCAT-3'
Protein context (NP_109590.3, residues 155-175): RQYAEQGAQV[Pro165Thr]FRTHSLHVQQ